The following is an entry in ClinVar:

NM_005027.4(PIK3R2):c.2163C>G (p.Pro721=)

Gene: PIK3R2 (phosphoinositide-3-kinase regulatory subunit 2; plus strand). Cytogenetic location: 19p13.11.
Variant type: single nucleotide variant.
Coding change: c.2163C>G on transcript NM_005027.4 (MANE Select); coding-DNA position 2163, C replaced by G.
Protein change: p.Pro721=; no amino-acid change (proline 721 retained).
Molecular consequence: synonymous variant. On other transcripts: non-coding transcript variant (2).
Genome position (GRCh38, 1-based): chr19:18,169,270, C>G. VCF-style: chr19-18169270-C-G. GRCh37 (hg19) VCF-style: chr19-18280080-C-G.
Identifiers: ClinVar variation 3059979 (VCV003059979.2), dbSNP rs147625988, ClinGen allele CA506021631.

ClinVar aggregate classification (germline): Likely benign (0 of 4 stars; one submission).

Conditions:
PIK3R2-related disorder. Also called: PIK3R2-related condition.

Submission:

PreventionGenetics, part of Exact Sciences
Classification: Likely benign for PIK3R2-related condition. Last evaluated: 2020-05-07. Review status: no assertion criteria provided. Collection method: clinical testing. Allele origin: germline.
Comment: This variant is classified as likely benign based on ACMG/AMP sequence variant interpretation guidelines (Richards et al. 2015 PMID: 25741868, with internal and published modifications).